The following is an entry in ClinVar:

ClinVar aggregate classification (germline): Likely benign (1 of 4 stars; one submission).

Allele frequency attached by ClinVar (database versions not stated): 1000 Genomes Project 30x 0.00625; 1000 Genomes Project 0.00679; TOPMed 0.01085; gnomAD 0.01155 and 0.01179.
gnomAD v4.1: 1,754 of 152,346 alleles (1.2%); highest among the groups gnomAD compares: Admixed American, 1.5%; 30 homozygotes.

Submission:

GeneDx
Classification: Likely benign. Last evaluated: 2018-06-14. Review status: criteria provided, single submitter. Criteria: GeneDx Variant Classification (06012015). Collection method: clinical testing. Allele origin: germline. Affected: yes.
Comment: This variant is considered likely benign or benign based on one or more of the following criteria: it is a conservative change, it occurs at a poorly conserved position in the protein, it is predicted to be benign by multiple in silico algorithms, and/or has population frequency not consistent with disease.

NM_004092.4(ECHS1):c.620-289G>A

Gene: ECHS1 (enoyl-CoA hydratase, short chain 1; minus strand). Cytogenetic location: 10q26.3.
Variant type: single nucleotide variant.
Coding change: c.620-289G>A on transcript NM_004092.4 (MANE Select); 289 bases into the intron before coding-DNA position 620, G replaced by A.
Molecular consequence: intron variant.
Genome position (GRCh38, 1-based): chr10:133,366,384, C>T on the plus strand (G>A on the coding strand, the complement: ECHS1 is on the minus strand). VCF-style: chr10-133366384-C-T. GRCh37 (hg19) VCF-style: chr10-135179888-C-T.
Identifiers: ClinVar variation 672548 (VCV000672548.1), dbSNP rs7895829, ClinGen allele CA13279428.